The following is an entry in ClinVar:

ClinVar aggregate classification (germline): Uncertain significance. Review status: criteria provided, multiple submitters, no conflicts (2 of 4 stars). 5 submissions from 5 submitters: Uncertain significance (5). Last evaluated 2025-01-29.

Conditions:
LRP2-related disorder. Also called: LRP2-related condition.
Donnai-Barrow syndrome. Also called: DBS/FOAR SYNDROME; FACIOOCULOACOUSTICORENAL SYNDROME. Identifiers: Orphanet 2143, MedGen C1857277, MONDO:0009104, OMIM 222448.

Allele frequency attached by ClinVar (database versions not stated): gnomAD exomes below 0.00001 and 0.00003.
gnomAD v4.1: 46 of 1,614,096 alleles (0.0028%); highest among the groups gnomAD compares: Non-Finnish European, 0.0039%; no homozygotes.

Submissions (5):

PreventionGenetics, part of Exact Sciences
Classification: Uncertain significance for LRP2-related condition. Last evaluated: 2025-01-29. Review status: criteria provided, single submitter. Criteria: ACMG Guidelines, 2015. Collection method: clinical testing. Allele origin: germline.
Comment: The LRP2 c.4181G>A variant is predicted to result in the amino acid substitution p.Cys1394Tyr. To our knowledge, this variant has not been reported in the literature. This variant is reported in 0.00088% of alleles in individuals of European (Non-Finnish) descent in gnomAD. At this time, the clinical significance of this variant is uncertain due to the absence of conclusive functional and genetic evidence.

GeneDx
Classification: Uncertain significance. Last evaluated: 2022-06-08. Review status: criteria provided, single submitter. Criteria: GeneDx Variant Classification Process June 2021. Collection method: clinical testing. Allele origin: germline. Affected: yes.
Comment: Not observed at significant frequency in large population cohorts (gnomAD); In silico analysis supports that this missense variant has a deleterious effect on protein structure/function; Has not been previously published as pathogenic or benign to our knowledge

HudsonAlpha Institute for Biotechnology
Classification: Uncertain significance for Donnai-Barrow syndrome. Last evaluated: 2022-05-06. Review status: criteria provided, single submitter. Criteria: ACMG Guidelines, 2015. Collection method: research. Allele origin: biparental. Observed: 1 variant allele. Study: HudsonAlpha-AGHI-WGS.
Comment: ACMG codes: PM2, PP3

Fulgent Genetics
Classification: Uncertain significance for Donnai-Barrow syndrome. Last evaluated: 2022-05-05. Review status: criteria provided, single submitter. Criteria: ACMG Guidelines, 2015. Collection method: clinical testing. Allele origin: unknown.

Labcorp Genetics (formerly Invitae), Labcorp
Classification: Uncertain significance. Last evaluated: 2022-04-23. Review status: criteria provided, single submitter. Criteria: Invitae Variant Classification Sherloc (09022015). Collection method: clinical testing. Allele origin: germline.
Comment: This sequence change replaces cysteine, which is neutral and slightly polar, with tyrosine, which is neutral and polar, at codon 1394 of the LRP2 protein (p.Cys1394Tyr). This variant is present in population databases (rs767869932, gnomAD 0.0009%). This variant has not been reported in the literature in individuals affected with LRP2-related conditions. Advanced modeling of protein sequence and biophysical properties (such as structural, functional, and spatial information, amino acid conservation, physicochemical variation, residue mobility, and thermodynamic stability) performed at Invitae indicates that this missense variant is expected to disrupt LRP2 protein function. In summary, the available evidence is currently insufficient to determine the role of this variant in disease. Therefore, it has been classified as a Variant of Uncertain Significance.

NM_004525.3(LRP2):c.4181G>A (p.Cys1394Tyr)

Gene: LRP2 (LDL receptor related protein 2; minus strand). Cytogenetic location: 2q31.1.
Variant type: single nucleotide variant.
Coding change: c.4181G>A on transcript NM_004525.3 (MANE Select); coding-DNA position 4181, G replaced by A.
Protein change: p.Cys1394Tyr; replaces cysteine 1394 with tyrosine.
Molecular consequence: missense variant.
Genome position (GRCh38, 1-based): chr2:169,239,640, C>T on the plus strand (G>A on the coding strand, the complement: LRP2 is on the minus strand). VCF-style: chr2-169239640-C-T. GRCh37 (hg19) VCF-style: chr2-170096150-C-T.
Other names: c.4181G>A (NM_004525.2); short protein forms C1394Y.
Identifiers: ClinVar variation 1684523 (VCV001684523.7), dbSNP rs767869932, ClinGen allele CA59913098.